The following is an entry in ClinVar:

ClinVar aggregate classification (germline): Uncertain significance. Review status: criteria provided, multiple submitters, no conflicts (2 of 4 stars). 5 submissions from 5 submitters: Uncertain significance (5). Last evaluated 2025-11-06.

Conditions:
Hereditary cancer-predisposing syndrome. Also called: Neoplastic Syndromes, Hereditary; Hereditary neoplastic syndrome; Hereditary Cancer Syndrome; Tumor predisposition. Identifiers: Orphanet 140162, MedGen C0027672, MeSH D009386, MONDO:0015356.
Ataxia-telangiectasia syndrome (AT). Also called: Ataxia-telangiectasia, complementation group D; AT, COMPLEMENTATION GROUP C; ATAXIA-TELANGIECTASIA, COMPLEMENTATION GROUP A; ATAXIA-TELANGIECTASIA, FRESNO VARIANT; Ataxia-telangiectasia; Ataxia telangiectasia (A-T). Identifiers: Orphanet 100, MedGen C0004135, MONDO:0008840, OMIM 208900.
ATM-related cancer predisposition. Also called: ATM-related cancer susceptibility. Identifiers: MedGen CN377759, MONDO:0700270.

Allele frequency attached by ClinVar (database versions not stated): gnomAD exomes below 0.00001; TOPMed 0.00001.
gnomAD v4.1: 1 of 1,613,382 alleles (0.000062%); highest among the groups gnomAD compares: South Asian, 0.0011%; no homozygotes.

Submissions (5):

Hema, HEMA – Genetic and Molecular Diagnostic Laboratory
Classification: Uncertain significance for ATM-related cancer predisposition. Last evaluated: 2025-11-06. Review status: criteria provided, single submitter. Criteria: HEMA Variant Classification Assertion Criteria. Collection method: clinical testing. Allele origin: germline.
Comment: The c.3431T>C variant is a transition from thymine to cytosine, resulting in the substitution of leucine 1144 with serine in the ATM protein. PM2_Supporting: Present at very low frequency in the gnomAD database. BP4: The computational meta-predictor REVEL score = 0.12 ≤ 0.2490, indicating that the variant is not likely to have an effect on the ATM protein.

Ambry Genetics
Classification: Uncertain significance for Hereditary cancer-predisposing syndrome. Last evaluated: 2025-06-08. Review status: criteria provided, single submitter. Criteria: Ambry Variant Classification Scheme 2023. Collection method: clinical testing. Allele origin: germline.
Comment: The p.L1144S variant (also known as c.3431T>C), located in coding exon 23 of the ATM gene, results from a T to C substitution at nucleotide position 3431. The leucine at codon 1144 is replaced by serine, an amino acid with dissimilar properties. This amino acid position is poorly conserved in available vertebrate species. In addition, this alteration is predicted to be tolerated by in silico analysis. Since supporting evidence is limited at this time, the clinical significance of this alteration remains unclear.

Labcorp Genetics (formerly Invitae), Labcorp
Classification: Uncertain significance for Ataxia-telangiectasia syndrome. Last evaluated: 2024-02-12. Review status: criteria provided, single submitter. Criteria: Invitae Variant Classification Sherloc (09022015). Collection method: clinical testing. Allele origin: germline.
Comment: This sequence change replaces leucine, which is neutral and non-polar, with serine, which is neutral and polar, at codon 1144 of the ATM protein (p.Leu1144Ser). This variant is present in population databases (no rsID available, gnomAD 0.003%). This variant has not been reported in the literature in individuals affected with ATM-related conditions. ClinVar contains an entry for this variant (Variation ID: 245790). Algorithms developed to predict the effect of missense changes on protein structure and function output the following: SIFT: "Not Available"; PolyPhen-2: "Benign"; Align-GVGD: "Not Available". The serine amino acid residue is found in multiple mammalian species, which suggests that this missense change does not adversely affect protein function. In summary, the available evidence is currently insufficient to determine the role of this variant in disease. Therefore, it has been classified as a Variant of Uncertain Significance.

Color Diagnostics, LLC DBA Color Health
Classification: Uncertain significance for Hereditary cancer-predisposing syndrome. Last evaluated: 2023-12-05. Review status: criteria provided, single submitter. Criteria: ACMG Guidelines, 2015. Collection method: clinical testing. Allele origin: germline.
Comment: This missense variant replaces leucine with serine at codon 1144 of the ATM protein. Computational prediction suggests that this variant may not impact protein structure and function (internally defined REVEL score threshold <= 0.5, PMID: 27666373). To our knowledge, functional studies have not been reported for this variant. This variant has not been reported in individuals affected with ATM-related disorders in the literature. This variant has been identified in 1/251106 chromosomes in the general population by the Genome Aggregation Database (gnomAD). The available evidence is insufficient to determine the role of this variant in disease conclusively. Therefore, this variant is classified as a Variant of Uncertain Significance.

GeneDx
Classification: Uncertain significance. Last evaluated: 2016-02-19. Review status: criteria provided, single submitter. Criteria: GeneDx Variant Classification (06012015). Collection method: clinical testing. Allele origin: germline. Affected: yes.
Comment: This variant is denoted ATM c.3431T>C at the cDNA level, p.Leu1144Ser (L1144S) at the protein level, and results in the change of a Leucine to a Serine (TTG>TCG). This variant has not, to our knowledge, been published in the literature as pathogenic or benign. ATM Leu1144Ser was not observed in approximately 6,500 individuals of European and African American ancestry in the NHLBI Exome Sequencing Project, indicating it is not a common benign variant in these populations. Since Leucine and Serine differ in polarity, charge, size or other properties, this is considered a non-conservative amino acid substitution. ATM Leu1144Ser occurs at a position that is not conserved and is located within the beta-adaptin interaction domain (Tavtigian 2009). In silico analyses predict that this variant is unlikely to alter protein structure or function. Based on currently available information, it is unclear whether ATM Leu1144Ser is pathogenic or benign. We consider it to be a variant of uncertain significance.

NM_000051.4(ATM):c.3431T>C (p.Leu1144Ser)

Gene: ATM (ATM serine/threonine kinase; plus strand). Cytogenetic location: 11q22.3.
Variant type: single nucleotide variant.
Coding change: c.3431T>C on transcript NM_000051.4 (MANE Select); coding-DNA position 3431, T replaced by C.
Protein change: p.Leu1144Ser; replaces leucine 1144 with serine.
Molecular consequence: missense variant.
Genome position (GRCh38, 1-based): chr11:108,281,023, T>C. VCF-style: chr11-108281023-T-C. GRCh37 (hg19) VCF-style: chr11-108151750-T-C.
Other names: c.3431T>C, p.Leu1144Ser (NM_001351834.2); short protein forms L1144S.
Identifiers: ClinVar variation 245790 (VCV000245790.19), dbSNP rs879253949, ClinGen allele CA10584337.
Genomic context (GRCh38, chr11:108,281,023, plus strand): 5'-ACATTACATTTTTTTTTTAATTTCTTTTTAAGTCCCATAGTGCTGAGAACCCTGAAACTT[T>C]GGATGAAATTTATAATAGAAAATCTGTTTTACTGACGTTGATAGCTGTGGTTTTATCCTG-3'
Protein context (NP_000042.3, residues 1134-1154): MSHSAENPET[Leu1144Ser]DEIYNRKSVL